The following is an entry in ClinVar:

NM_139027.6(ADAMTS13):c.1A>G (p.Met1Val)

Gene: ADAMTS13 (ADAM metallopeptidase with thrombospondin type 1 motif 13; plus strand). Cytogenetic location: 9q34.2.
Variant type: single nucleotide variant.
Coding change: c.1A>G on transcript NM_139027.6 (MANE Select); coding-DNA position 1, A replaced by G.
Protein change: p.Met1Val; changes the start codon (methionine 1).
Molecular consequence: missense variant, initiator codon variant.
Genome position (GRCh38, 1-based): chr9:133,422,444, A>G. VCF-style: chr9-133422444-A-G. GRCh37 (hg19) VCF-style: chr9-136287564-A-G.
Other names: c.1A>G, p.Met1Val (NM_139025.5, NM_139026.6); short protein forms M1V.
Identifiers: ClinVar variation 4713131 (VCV004713131.1).
Genomic context (GRCh38, chr9:133,422,444, plus strand): 5'-TTCCCAGTCACCAAGGCCCCCTCTCACTCCGCTCCACTCCTCGGGCTGGCTCTCCTGAGG[A>G]TGCACCAGCGTCACCCCCGGGCAAGATGCCCTCCCCTCTGTGTGGCCGGAATCCTTGCCT-3'
Protein context (NP_620596.2, residues 1-11): [Met1Val]HQRHPRARCP

ClinVar aggregate classification (germline): Pathogenic (1 of 4 stars; one submission).

Submission:

Labcorp Genetics (formerly Invitae), Labcorp
Classification: Pathogenic. Last evaluated: 2025-06-15. Review status: criteria provided, single submitter. Criteria: Invitae Variant Classification Sherloc (09022015). Collection method: clinical testing. Allele origin: germline.
Comment: This sequence change affects the initiator codon of the ADAMTS13 mRNA. This change may impact translation initiation or efficiency. The next in-frame methionine is located at codon 131. This variant is not present in population databases (gnomAD no frequency). This variant has not been reported in the literature in individuals affected with ADAMTS13-related conditions. This variant disrupts a region of the ADAMTS13 protein in which other variant(s) (p.Arg102Cys) have been determined to be pathogenic (PMID: 11586351, 36987722; internal data). This suggests that this is a clinically significant region of the protein, and that variants that disrupt it are likely to be disease-causing. For these reasons, this variant has been classified as Pathogenic.

Literature cited by the submitters: PubMed 11586351; PubMed 36987722.